The following is an entry in ClinVar:

NM_004006.3(DMD):c.1483-123G>T

Gene: DMD (dystrophin; minus strand). Cytogenetic location: Xp21.1.
Variant type: single nucleotide variant.
Coding change: c.1483-123G>T on transcript NM_004006.3 (MANE Select); 123 bases into the intron before coding-DNA position 1483, G replaced by T.
Molecular consequence: intron variant.
Genome position (GRCh38, 1-based): chrX:32,595,999, C>A on the plus strand (G>T on the coding strand, the complement: DMD is on the minus strand). VCF-style: chrX-32595999-C-A. GRCh37 (hg19) VCF-style: chrX-32614116-C-A.
Other names: c.1459-123G>T (NM_000109.4); c.1471-123G>T (NM_004009.3); c.1114-123G>T (NM_004010.3).
Identifiers: ClinVar variation 671081 (VCV000671081.1), dbSNP rs808542, ClinGen allele CA15027318.
Genomic context (GRCh38, chrX:32,595,999, plus strand): 5'-TTGCTCTCAAATGGTGAAATTTATTTCTGCTACATCTCAGGTACTCCCATTTTTTATTAA[C>A]CTAAAACCATTCCAAGCCAATTTTCTGCTATGACGCTCAGCAAAATTTATATGTTCTATT-3'

ClinVar aggregate classification (germline): Benign (1 of 4 stars; one submission).

Allele frequency attached by ClinVar (database versions not stated): gnomAD 0.52335 and 0.52484; TOPMed 0.54557; 1000 Genomes Project 0.62623; 1000 Genomes Project 30x 0.62872.
gnomAD v4.1: 288,714 of 646,678 alleles (45%); highest among the groups gnomAD compares: African/African-American, 80%; 46,722 homozygotes.

Submission:

GeneDx
Classification: Benign. Last evaluated: 2018-06-14. Review status: criteria provided, single submitter. Criteria: GeneDx Variant Classification (06012015). Collection method: clinical testing. Allele origin: germline. Affected: yes.
Comment: This variant is considered likely benign or benign based on one or more of the following criteria: it is a conservative change, it occurs at a poorly conserved position in the protein, it is predicted to be benign by multiple in silico algorithms, and/or has population frequency not consistent with disease.